The following is an entry in ClinVar:

ClinVar aggregate classification (germline): Uncertain significance (1 of 4 stars; one submission).

Conditions:
Kabuki syndrome 2 (KABUK2). Also called: KDM6A-Related Kabuki Syndrome. Identifiers: Orphanet 2322, MedGen C3275495, MONDO:0010465, OMIM 300867.

Submissions (3):

Labcorp Genetics (formerly Invitae), Labcorp
Classification: Uncertain significance for Kabuki syndrome 2. Last evaluated: 2022-05-21. Review status: criteria provided, single submitter. Criteria: Invitae Variant Classification Sherloc (09022015). Collection method: clinical testing. Allele origin: germline.
Comment: This variant has not been reported in the literature in individuals affected with KDM6A-related conditions. This variant is not present in population databases (gnomAD no frequency). This sequence change replaces glutamine, which is neutral and polar, with arginine, which is basic and polar, at codon 443 of the KDM6A protein (p.Gln443Arg). In summary, the available evidence is currently insufficient to determine the role of this variant in disease. Therefore, it has been classified as a Variant of Uncertain Significance. Algorithms developed to predict the effect of sequence changes on RNA splicing suggest that this variant may disrupt the consensus splice site. Algorithms developed to predict the effect of missense changes on protein structure and function are either unavailable or do not agree on the potential impact of this missense change (SIFT: "Deleterious"; PolyPhen-2: "Benign"; Align-GVGD: "Class C35").

Dr. Peter K. Rogan Lab, Western University
No classification provided (evidence only). Condition: Thyroid cancer, nonmedullary, 1. Review status: no classification provided. Collection method: in vitro. Allele origin: not applicable. Functional consequence: retained intron. Not counted in ClinVar's aggregate classification.

Dr. Peter K. Rogan Lab, Western University
No classification provided (evidence only). Condition: Nonpapillary renal cell carcinoma. Review status: no classification provided. Collection method: in vitro. Allele origin: not applicable. Functional consequence: retained intron. Not counted in ClinVar's aggregate classification.

NM_001291415.2(KDM6A):c.1328A>G (p.Gln443Arg)

Gene: KDM6A (lysine demethylase 6A; plus strand). Cytogenetic location: Xp11.3.
Variant type: single nucleotide variant.
Coding change: c.1328A>G on transcript NM_001291415.2 (MANE Select); coding-DNA position 1328, A replaced by G.
Protein change: p.Gln443Arg; replaces glutamine 443 with arginine.
Molecular consequence: missense variant. On other transcripts: intron variant (4).
Genome position (GRCh38, 1-based): chrX:45,060,155, A>G. VCF-style: chrX-45060155-A-G. GRCh37 (hg19) VCF-style: chrX-44919400-A-G.
Other names: c.1328A>G, p.Gln443Arg (NM_001410742.1, NM_021140.4); c.1195-454A>G (NM_001291416.2); c.1194+689A>G (NM_001291417.2, NM_001291418.2); c.441+689A>G (NM_001291421.2); short protein forms Q443R.
Identifiers: ClinVar variation 2124582 (VCV002124582.5), dbSNP rs2522782892, ClinGen allele CA412783619.